The following is an entry in ClinVar:

ClinVar aggregate classification (germline): Uncertain significance (1 of 4 stars; one submission).

Conditions:
46,XY sex reversal 1. Also called: SRY-related 46,XY complete gonadal dysgenesis; 46,XY SEX REVERSAL, SRY-RELATED. Identifiers: Orphanet 242, MedGen C2748896, MONDO:0020712, OMIM 400044.

Allele frequency attached by ClinVar (database versions not stated): gnomAD exomes 0.00001; ExAC 0.00003.

Submission:

Labcorp Genetics (formerly Invitae), Labcorp
Classification: Uncertain significance for 46,XY sex reversal 1. Last evaluated: 2025-10-21. Review status: criteria provided, single submitter. Criteria: Invitae Variant Classification Sherloc (09022015). Collection method: clinical testing. Allele origin: germline.
Comment: This sequence change replaces arginine, which is basic and polar, with threonine, which is neutral and polar, at codon 84 of the SRY protein (p.Arg84Thr). The frequency data for this variant in the population databases is considered unreliable, as metrics indicate insufficient coverage at this position in the gnomAD database. This variant has not been reported in the literature in individuals affected with SRY-related conditions. ClinVar contains an entry for this variant (Variation ID: 1411113). An algorithm developed to predict the effect of missense changes on protein structure and function (PolyPhen-2) suggests that this variant is likely to be tolerated. In summary, the available evidence is currently insufficient to determine the role of this variant in disease. Therefore, it has been classified as a Variant of Uncertain Significance.

NM_003140.3(SRY):c.251G>C (p.Arg84Thr)

Gene: SRY (sex determining region Y; minus strand). Cytogenetic location: Yp11.2.
Variant type: single nucleotide variant.
Coding change: c.251G>C on transcript NM_003140.3 (MANE Select); coding-DNA position 251, G replaced by C.
Protein change: p.Arg84Thr; replaces arginine 84 with threonine.
Molecular consequence: missense variant.
Genome position (GRCh38, 1-based): chrY:2,787,353, C>G on the plus strand (G>C on the coding strand, the complement: SRY is on the minus strand). VCF-style: chrY-2787353-C-G. GRCh37 (hg19) VCF-style: chrY-2655394-C-G.
Other names: short protein forms R84T.
Identifiers: ClinVar variation 1411113 (VCV001411113.6), dbSNP rs770778716, ClinGen allele CA10571225.
Genomic context (GRCh38, chrY:2,787,353, plus strand): 5'-GCTTCAGTAAGCATTTTCCACTGGTATCCCAGCTGCTTGCTGATCTCTGAGTTTCGCATT[C>G]TGGGATTCTCTAGAGCCATCTTGCGCCTCTGATCGCGAGACCACACGATGAATGCGTTCA-3'
Protein context (NP_003131.1, residues 74-94): QRRKMALENP[Arg84Thr]MRNSEISKQL